The following is an entry in ClinVar:

NM_000487.6(ARSA):c.980-2A>C

Gene: ARSA (arylsulfatase A; minus strand). Cytogenetic location: 22q13.33.
Variant type: single nucleotide variant.
Coding change: c.980-2A>C on transcript NM_000487.6 (MANE Select); the canonical splice acceptor site of the intron before coding-DNA position 980, A replaced by C.
Molecular consequence: splice acceptor variant.
Genome position (GRCh38, 1-based): chr22:50,626,065, T>G on the plus strand (A>C on the coding strand, the complement: ARSA is on the minus strand). VCF-style: chr22-50626065-T-G. GRCh37 (hg19) VCF-style: chr22-51064493-T-G.
Other names: c.722-2A>C (NM_001362782.2, NM_001085428.3); c.980-2A>C (NM_001085427.3, NM_001085426.3, NM_001085425.3).
Identifiers: ClinVar variation 556061 (VCV000556061.6), dbSNP rs769152137, ClinGen allele CA10324848.
Genomic context (GRCh38, chr22:50,626,065, plus strand): 5'-AGCCAGGGCTGCCAGGGTAGGCAGCAGGTCCAGGGAGCTGGCCAGCTCGTGGGTCACGCC[T>G]GGGGGCAGGAGGCTGGTCAGTCACTCAGTTCGCCATCAAGGTTGGGGTGGTGGGGCCAGG-3'

ClinVar aggregate classification (germline): Likely pathogenic. Review status: criteria provided, single submitter (1 of 4 stars). 2 submissions from 2 submitters: Likely pathogenic (1). 1 of the submissions does not count toward it. Last evaluated 2026-09-17.

Conditions:
Metachromatic leukodystrophy (MLD). Also called: SULFATIDE LIPIDOSIS; Cerebral sclerosis diffuse metachromatic form; METACHROMATIC LEUKOENCEPHALOPATHY; Arylsulfatase A Deficiency; ARSA DEFICIENCY; CEREBROSIDE SULFATASE DEFICIENCY. Identifiers: Orphanet 512, MedGen C0023522, MONDO:0018868, OMIM 250100.

Allele frequency attached by ClinVar (database versions not stated): gnomAD exomes below 0.00001; ExAC 0.00002.
gnomAD v4.1: 4 of 1,596,386 alleles (0.00025%); highest among the groups gnomAD compares: Non-Finnish European, 0.00034%; no homozygotes.

Submissions (2):

Laboratory of Experimental Gene Therapy of Hereditary Metabolic Diseases, Research Centre for Medical Genetics
Classification: Likely pathogenic for Metachromatic leukodystrophy. Last evaluated: 2026-09-17. Review status: criteria provided, single submitter. Criteria: ARSA MLD Assertion Criteria V2 2026 09 18. Collection method: clinical testing. Allele origin: germline. Inheritance: Autosomal recessive inheritance. Affected: yes. Observed: 20 variant alleles, 6 compound heterozygotes, 14 homozygotes.
Comment: The previously reported Likely pathogenic classification was reviewed and retained for the accompanying study. External ClinVar record reviewed: VCV000556061.5. Observations from the present referral series were not used to establish pathogenicity.

Counsyl
Classification: Likely pathogenic for Metachromatic leukodystrophy. Last evaluated: 2018-01-10. Review status: no assertion criteria provided. Collection method: clinical testing. Allele origin: unknown. Not counted in ClinVar's aggregate classification.